The following is an entry in ClinVar:

ClinVar aggregate classification (germline): Uncertain significance (1 of 4 stars; one submission).

Conditions:
Congenital contractural arachnodactyly (CCA). Also called: BEALS SYNDROME; Arthrogryposis, distal, type 9; Beals-Hecht syndrome. Identifiers: Orphanet 115, MedGen C0220668, MONDO:0007363, OMIM 121050.

Submission:

Labcorp Genetics (formerly Invitae), Labcorp
Classification: Uncertain significance for Congenital contractural arachnodactyly. Last evaluated: 2024-02-22. Review status: criteria provided, single submitter. Criteria: Invitae Variant Classification Sherloc (09022015). Collection method: clinical testing. Allele origin: germline.
Comment: This sequence change replaces glutamic acid, which is acidic and polar, with valine, which is neutral and non-polar, at codon 1001 of the FBN2 protein (p.Glu1001Val). This variant is not present in population databases (gnomAD no frequency). This variant has not been reported in the literature in individuals affected with FBN2-related conditions. Advanced modeling of protein sequence and biophysical properties (such as structural, functional, and spatial information, amino acid conservation, physicochemical variation, residue mobility, and thermodynamic stability) has been performed at Invitae for this missense variant, however the output from this modeling did not meet the statistical confidence thresholds required to predict the impact of this variant on FBN2 protein function. In summary, the available evidence is currently insufficient to determine the role of this variant in disease. Therefore, it has been classified as a Variant of Uncertain Significance.

NM_001999.4(FBN2):c.3002A>T (p.Glu1001Val)

Genes: FBN2 (fibrillin 2; minus strand), LOC126807501 (BRD4-independent group 4 enhancer GRCh37_chr5:127680731-127681930; plus strand). Cytogenetic location: 5q23.3.
Variant type: single nucleotide variant.
Coding change: c.3002A>T on transcript NM_001999.4 (MANE Select); coding-DNA position 3002, A replaced by T.
Protein change: p.Glu1001Val; replaces glutamic acid 1001 with valine.
Molecular consequence: missense variant.
Genome position (GRCh38, 1-based): chr5:128,345,572, T>A on the plus strand (A>T on the coding strand, the complement: FBN2 is on the minus strand). VCF-style: chr5-128345572-T-A. GRCh37 (hg19) VCF-style: chr5-127681264-T-A.
Other names: short protein forms E1001V.
Identifiers: ClinVar variation 3642670 (VCV003642670.2).